The following is an entry in ClinVar:

NM_015627.3(LDLRAP1):c.76G>A (p.Gly26Ser)

Genes: LDLRAP1 (low density lipoprotein receptor adaptor protein 1; plus strand), LOC129929773 (ATAC-STARR-seq lymphoblastoid silent region 456; plus strand). Cytogenetic location: 1p36.11.
Variant type: single nucleotide variant.
Coding change: c.76G>A on transcript NM_015627.3 (MANE Select); coding-DNA position 76, G replaced by A.
Protein change: p.Gly26Ser; replaces glycine 26 with serine.
Molecular consequence: missense variant.
Genome position (GRCh38, 1-based): chr1:25,543,774, G>A. VCF-style: chr1-25543774-G-A. GRCh37 (hg19) VCF-style: chr1-25870265-G-A.
Other names: short protein forms G26S.
Identifiers: ClinVar variation 944672 (VCV000944672.10), dbSNP rs2043859563, ClinGen allele CA339076733.

ClinVar aggregate classification (germline): Uncertain significance (1 of 4 stars; one submission).

Conditions:
Hypercholesterolemia, familial, 4 (FHCL4). Also called: HYPERCHOLESTEROLEMIA, AUTOSOMAL RECESSIVE, 1; HYPERCHOLESTEROLEMIA, AUTOSOMAL RECESSIVE, 2. Identifiers: Orphanet 391665, MedGen C1863512, MONDO:0011374, OMIM 603813.

Allele frequency attached by ClinVar (database versions not stated): gnomAD exomes below 0.00001.
gnomAD v4.1: 2 of 1,208,494 alleles (0.00017%); highest among the groups gnomAD compares: Non-Finnish European, 0.00021%; no homozygotes.

Submission:

Labcorp Genetics (formerly Invitae), Labcorp
Classification: Uncertain significance for Hypercholesterolemia, familial, 4. Last evaluated: 2019-05-07. Review status: criteria provided, single submitter. Criteria: Invitae Variant Classification Sherloc (09022015). Collection method: clinical testing. Allele origin: germline.
Comment: In summary, the available evidence is currently insufficient to determine the role of this variant in disease. Therefore, it has been classified as a Variant of Uncertain Significance. Algorithms developed to predict the effect of missense changes on protein structure and function are either unavailable or do not agree on the potential impact of this missense change (SIFT: "Deleterious"; PolyPhen-2: "Benign"; Align-GVGD: "Class C0"). This variant has not been reported in the literature in individuals with LDLRAP1-related conditions. The frequency data for this variant in the population databases is considered unreliable, as metrics indicate insufficient coverage at this position in the ExAC database. This sequence change replaces glycine with serine at codon 26 of the LDLRAP1 protein (p.Gly26Ser). The glycine residue is weakly conserved and there is a small physicochemical difference between glycine and serine.